The following is an entry in ClinVar:

ClinVar aggregate classification (germline): Uncertain significance (1 of 4 stars; one submission).

Conditions:
Hereditary cancer-predisposing syndrome. Also called: Neoplastic Syndromes, Hereditary; Tumor predisposition; Hereditary Cancer Syndrome; Hereditary neoplastic syndrome. Identifiers: Orphanet 140162, MedGen C0027672, MeSH D009386, MONDO:0015356.

gnomAD v4.1: 1 of 1,614,216 alleles (0.000062%); highest among the groups gnomAD compares: Non-Finnish European, 0.000085%; no homozygotes.

Submission:

Ambry Genetics
Classification: Uncertain significance for Hereditary cancer-predisposing syndrome. Last evaluated: 2026-02-19. Review status: criteria provided, single submitter. Criteria: Ambry Variant Classification Scheme 2023. Collection method: clinical testing. Allele origin: germline.
Comment: The p.D418A variant (also known as c.1253A>C), located in coding exon 9 of the CDH1 gene, results from an A to C substitution at nucleotide position 1253. The aspartic acid at codon 418 is replaced by alanine, an amino acid with dissimilar properties. This amino acid position is conserved. In addition, this alteration is predicted to be tolerated by in silico analysis. Based on the available evidence, the clinical significance of this variant remains unclear.

NM_004360.5(CDH1):c.1253A>C (p.Asp418Ala)

Gene: CDH1 (cadherin 1; plus strand). Cytogenetic location: 16q22.1.
Variant type: single nucleotide variant.
Coding change: c.1253A>C on transcript NM_004360.5 (MANE Select); coding-DNA position 1253, A replaced by C.
Protein change: p.Asp418Ala; replaces aspartic acid 418 with alanine.
Molecular consequence: missense variant. On other transcripts: 5 prime UTR variant (2), intron variant (1).
Genome position (GRCh38, 1-based): chr16:68,813,428, A>C. VCF-style: chr16-68813428-A-C. GRCh37 (hg19) VCF-style: chr16-68847331-A-C.
Other names: c.-363A>C (NM_001317185.2); c.-567A>C (NM_001317186.2); c.1137+1165A>C (NM_001317184.2); short protein forms D418A.
Identifiers: ClinVar variation 4825326 (VCV004825326.1).